The following is an entry in ClinVar:

NM_006015.6(ARID1A):c.353C>T (p.Thr118Met)

Gene: ARID1A (AT-rich interaction domain 1A; plus strand). Cytogenetic location: 1p36.11.
Variant type: single nucleotide variant.
Coding change: c.353C>T on transcript NM_006015.6 (MANE Select); coding-DNA position 353, C replaced by T.
Protein change: p.Thr118Met; replaces threonine 118 with methionine.
Molecular consequence: missense variant.
Genome position (GRCh38, 1-based): chr1:26,696,756, C>T. VCF-style: chr1-26696756-C-T. GRCh37 (hg19) VCF-style: chr1-27023247-C-T.
Other names: c.353C>T, p.Thr118Met (NM_139135.4); short protein forms T118M.
Identifiers: ClinVar variation 2963642 (VCV002963642.4), dbSNP rs1346716044, ClinGen allele CA339264941.
Genomic context (GRCh38, chr1:26,696,756, plus strand): 5'-CGGACCTGAAGAACTCGAACGGGAACGCGGGCCCTAGGCCCGCCCTGAACAATAACCTCA[C>T]GGAGCCGCCCGGCGGCGGCGGTGGCGGCAGCAGCGATGGGGTGGGGGCGCCTCCTCACTC-3'
Protein context (NP_006006.3, residues 108-128): GPRPALNNNL[Thr118Met]EPPGGGGGGS

ClinVar aggregate classification (germline): Conflicting classifications of pathogenicity. Review status: criteria provided, conflicting classifications (1 of 4 stars). 2 submissions from 2 submitters: Uncertain significance (1); Likely benign (1). Last evaluated 2024-11-21.

Conditions:
Inborn genetic diseases. Identifiers: MedGen C0950123, MeSH D030342.

Allele frequency attached by ClinVar (database versions not stated): gnomAD 0.00001.
gnomAD v4.1: 17 of 1,353,452 alleles (0.0013%); highest among the groups gnomAD compares: Middle Eastern, 0.025%; no homozygotes.

Submissions (2):

Ambry Genetics
Classification: Likely benign for Inborn genetic diseases. Last evaluated: 2024-11-21. Review status: criteria provided, single submitter. Criteria: Ambry Variant Classification Scheme 2023. Collection method: clinical testing. Allele origin: germline.

Labcorp Genetics (formerly Invitae), Labcorp
Classification: Uncertain significance. Last evaluated: 2024-03-16. Review status: criteria provided, single submitter. Criteria: Invitae Variant Classification Sherloc (09022015). Collection method: clinical testing. Allele origin: germline.
Comment: This sequence change replaces threonine, which is neutral and polar, with methionine, which is neutral and non-polar, at codon 118 of the ARID1A protein (p.Thr118Met). The frequency data for this variant in the population databases is considered unreliable, as metrics indicate poor data quality at this position in the gnomAD database. This variant has not been reported in the literature in individuals affected with ARID1A-related conditions. Advanced modeling of protein sequence and biophysical properties (such as structural, functional, and spatial information, amino acid conservation, physicochemical variation, residue mobility, and thermodynamic stability) performed at Invitae indicates that this missense variant is not expected to disrupt ARID1A protein function with a negative predictive value of 95%. In summary, the available evidence is currently insufficient to determine the role of this variant in disease. Therefore, it has been classified as a Variant of Uncertain Significance.